The following is an entry in ClinVar:

ClinVar aggregate classification (germline): Uncertain significance (1 of 4 stars; one submission).

Conditions:
Autoimmune lymphoproliferative syndrome type 1. Also called: AUTOIMMUNE LYMPHOPROLIFERATIVE SYNDROME, TYPE I, AUTOSOMAL DOMINANT. Identifiers: Orphanet 3261, MedGen C2717884, MONDO:0011158, OMIM 601859.

Allele frequency attached by ClinVar (database versions not stated): gnomAD exomes below 0.00001.

Submission:

Labcorp Genetics (formerly Invitae), Labcorp
Classification: Uncertain significance for Autoimmune lymphoproliferative syndrome. Last evaluated: 2022-02-05. Review status: criteria provided, single submitter. Criteria: Invitae Variant Classification Sherloc (09022015). Collection method: clinical testing. Allele origin: germline.
Comment: In summary, the available evidence is currently insufficient to determine the role of this variant in disease. Therefore, it has been classified as a Variant of Uncertain Significance. Algorithms developed to predict the effect of missense changes on protein structure and function output the following: SIFT: "Tolerated"; PolyPhen-2: "Benign"; Align-GVGD: "Class C0". The lysine amino acid residue is found in multiple mammalian species, which suggests that this missense change does not adversely affect protein function. This variant has not been reported in the literature in individuals affected with FASLG-related conditions. This variant is not present in population databases (gnomAD no frequency). This sequence change replaces arginine, which is basic and polar, with lysine, which is basic and polar, at codon 74 of the FASLG protein (p.Arg74Lys).

NM_000639.3(FASLG):c.221G>A (p.Arg74Lys)

Gene: FASLG (Fas ligand; plus strand). Cytogenetic location: 1q24.3.
Variant type: single nucleotide variant.
Coding change: c.221G>A on transcript NM_000639.3 (MANE Select); coding-DNA position 221, G replaced by A.
Protein change: p.Arg74Lys; replaces arginine 74 with lysine.
Molecular consequence: missense variant.
Genome position (GRCh38, 1-based): chr1:172,659,422, G>A. VCF-style: chr1-172659422-G-A. GRCh37 (hg19) VCF-style: chr1-172628562-G-A.
Other names: c.221G>A, p.Arg74Lys (NM_001302746.2); short protein forms R74K.
Identifiers: ClinVar variation 2176368 (VCV002176368.4), dbSNP rs2527588760, ClinGen allele CA343805331.